The following is an entry in ClinVar:

ClinVar aggregate classification (germline): Uncertain significance (1 of 4 stars; one submission).

Submission:

GeneDx
Classification: Uncertain significance. Last evaluated: 2022-08-06. Review status: criteria provided, single submitter. Criteria: GeneDx Variant Classification Process June 2021. Collection method: clinical testing. Allele origin: germline. Affected: yes.
Comment: Not observed at significant frequency in large population cohorts (gnomAD); In silico analysis supports that this missense variant has a deleterious effect on protein structure/function; Has not been previously published as pathogenic or benign to our knowledge

NM_001205293.3(CACNA1E):c.1884G>T (p.Arg628Ser)

Gene: CACNA1E (calcium voltage-gated channel subunit alpha1 E; plus strand). Cytogenetic location: 1q25.3.
Variant type: single nucleotide variant.
Coding change: c.1884G>T on transcript NM_001205293.3 (MANE Select); coding-DNA position 1884, G replaced by T.
Protein change: p.Arg628Ser; replaces arginine 628 with serine.
Molecular consequence: missense variant.
Genome position (GRCh38, 1-based): chr1:181,720,783, G>T. VCF-style: chr1-181720783-G-T. GRCh37 (hg19) VCF-style: chr1-181689919-G-T.
Other names: c.1884G>T, p.Arg628Ser (NM_000721.4, NM_001205294.2); short protein forms R628S.
Identifiers: ClinVar variation 2428894 (VCV002428894.3), dbSNP rs757963897, ClinGen allele CA343627095.
Genomic context (GRCh38, chr1:181,720,783, plus strand): 5'-AATGGAAAACTTGGTATGTGAGATTTTCATTTCATTATTTTCTCTAATTTTGTTTTTCAG[G>T]TTTAACTTTAATGATGGGACTCCTTCGGCAAATTTTGATACCTTCCCTGCAGCCATCATG-3'
Protein context (NP_001192222.1, residues 618-638): ALLGMQLFGG[Arg628Ser]FNFNDGTPSA